The following is an entry in ClinVar:

NM_014806.5(RUSC2):c.1167TGT[1] (p.Val391del)

Gene: RUSC2 (RUN and SH3 domain containing 2; plus strand). Cytogenetic location: 9p13.3.
Variant type: Microsatellite.
Coding change: c.1167TGT[1] on transcript NM_014806.5 (MANE Select); one copy of the 3-base unit TGT starting at c.1167; the reference has two copies in a row; one copy, 3 bases deleted.
Protein change: p.Val391del; deletes valine 391.
Molecular consequence: inframe deletion. On other transcripts: non-coding transcript variant (1), intron variant (1).
Genome position (GRCh38, 1-based): chr9:35,547,691-35,547,693, TGT deleted; deleting any 3 consecutive bases within chr9:35,547,687-35,547,693 gives the same sequence; the position shown is the placement nearest the transcript's 3' end. VCF-style (leftmost placement, unchanged base first): chr9-35547686-CTTG-C. GRCh37 (hg19) VCF-style: chr9-35547683-CTTG-C.
Other names: c.1167TGT[1], p.Val391del (NM_001135999.2); c.-620-7369_-620-7367del (NM_001330740.2); short protein forms V391del.
Identifiers: ClinVar variation 1498639 (VCV001498639.6), dbSNP rs780625368, ClinGen allele CA5043594.

ClinVar aggregate classification (germline): Uncertain significance (1 of 4 stars; one submission).

Submission:

Labcorp Genetics (formerly Invitae), Labcorp
Classification: Uncertain significance. Last evaluated: 2024-10-29. Review status: criteria provided, single submitter. Criteria: Invitae Variant Classification Sherloc (09022015). Collection method: clinical testing. Allele origin: germline.
Comment: This variant, c.1170_1172del, results in the deletion of 1 amino acid(s) of the RUSC2 protein (p.Val391del), but otherwise preserves the integrity of the reading frame. This variant is present in population databases (rs780625368, gnomAD 0.06%). This variant has not been reported in the literature in individuals affected with RUSC2-related conditions. Experimental studies and prediction algorithms are not available or were not evaluated, and the functional significance of this variant is currently unknown. In summary, the available evidence is currently insufficient to determine the role of this variant in disease. Therefore, it has been classified as a Variant of Uncertain Significance.